The following is an entry in ClinVar:

NM_000135.4(FANCA):c.3116G>A (p.Gly1039Asp)

Gene: FANCA (FA complementation group A; minus strand). Cytogenetic location: 16q24.3.
Variant type: single nucleotide variant.
Coding change: c.3116G>A on transcript NM_000135.4 (MANE Select); coding-DNA position 3116, G replaced by A.
Protein change: p.Gly1039Asp; replaces glycine 1039 with aspartic acid.
Molecular consequence: missense variant.
Genome position (GRCh38, 1-based): chr16:89,749,853, C>T on the plus strand (G>A on the coding strand, the complement: FANCA is on the minus strand). VCF-style: chr16-89749853-C-T. GRCh37 (hg19) VCF-style: chr16-89816261-C-T.
Other names: c.3116G>A, p.Gly1039Asp (NM_001286167.3); short protein forms G1039D.
Identifiers: ClinVar variation 1345574 (VCV001345574.8), dbSNP rs1292002479, ClinGen allele CA397486666.

ClinVar aggregate classification (germline): Uncertain significance (1 of 4 stars; one submission).

Conditions:
Fanconi anemia (FA). Also called: Fanconi's anemia. Identifiers: Orphanet 84, MedGen C0015625, MeSH D005199, MONDO:0019391.

Submission:

Labcorp Genetics (formerly Invitae), Labcorp
Classification: Uncertain significance for Fanconi anemia. Last evaluated: 2021-01-13. Review status: criteria provided, single submitter. Criteria: Invitae Variant Classification Sherloc (09022015). Collection method: clinical testing. Allele origin: germline.
Comment: This sequence change replaces glycine with aspartic acid at codon 1039 of the FANCA protein (p.Gly1039Asp). The glycine residue is moderately conserved and there is a moderate physicochemical difference between glycine and aspartic acid. This variant is not present in population databases (ExAC no frequency). This variant has not been reported in the literature in individuals with FANCA-related conditions. Advanced modeling of protein sequence and biophysical properties (such as structural, functional, and spatial information, amino acid conservation, physicochemical variation, residue mobility, and thermodynamic stability) performed at Invitae indicates that this missense variant is not expected to disrupt FANCA protein function. In summary, the available evidence is currently insufficient to determine the role of this variant in disease. Therefore, it has been classified as a Variant of Uncertain Significance.